The following is an entry in ClinVar:

NM_001242896.3(DEPDC5):c.1385A>G (p.Tyr462Cys)

Gene: DEPDC5 (DEP domain containing 5, GATOR1 subcomplex subunit; plus strand). Cytogenetic location: 22q12.3.
Variant type: single nucleotide variant.
Coding change: c.1385A>G on transcript NM_001242896.3 (MANE Select); coding-DNA position 1385, A replaced by G.
Protein change: p.Tyr462Cys; replaces tyrosine 462 with cysteine.
Molecular consequence: missense variant. On other transcripts: non-coding transcript variant (5).
Genome position (GRCh38, 1-based): chr22:31,810,581, A>G. VCF-style: chr22-31810581-A-G. GRCh37 (hg19) VCF-style: chr22-32206567-A-G.
Other names: c.1385A>G, p.Tyr462Cys (NM_001007188.4, NM_001136029.4, NM_001242897.2 and 7 more transcripts); c.1301A>G, p.Tyr434Cys (NM_001369901.1, NM_001369902.1); short protein forms Y462C, Y434C.
Identifiers: ClinVar variation 466451 (VCV000466451.43), dbSNP rs747546981, ClinGen allele CA10196356.

ClinVar aggregate classification (germline): Uncertain significance. Review status: criteria provided, multiple submitters, no conflicts (2 of 4 stars). 4 submissions from 4 submitters: Uncertain significance (4). Last evaluated 2026-02-03.

Conditions:
Epilepsy, familial focal, with variable foci 1 (FFEVF1). Also called: DEPDC5-Related Epilepsy. Identifiers: MedGen C4551983, MONDO:0024556, OMIM 604364.
Familial focal epilepsy with variable foci (FPEVF). Identifiers: Orphanet 98820, MedGen C1858477, MONDO:0020310.

Allele frequency attached by ClinVar (database versions not stated): gnomAD 0.00001; gnomAD exomes 0.00001; TOPMed 0.00001; ExAC 0.00002.
gnomAD v4.1: 22 of 1,614,068 alleles (0.0014%); highest among the groups gnomAD compares: South Asian, 0.0088%; no homozygotes.

Submissions (4):

Labcorp Genetics (formerly Invitae), Labcorp
Classification: Uncertain significance for Familial focal epilepsy with variable foci. Last evaluated: 2026-02-03. Review status: criteria provided, single submitter. Criteria: Invitae Variant Classification Sherloc (09022015). Collection method: clinical testing. Allele origin: germline.
Comment: This sequence change replaces tyrosine, which is neutral and polar, with cysteine, which is neutral and slightly polar, at codon 462 of the DEPDC5 protein (p.Tyr462Cys). This variant is present in population databases (rs747546981, gnomAD 0.006%). This missense change has been observed in individual(s) with frontal lobe epilepsy (PMID: 30093711). ClinVar contains an entry for this variant (Variation ID: 466451). Experimental studies and prediction algorithms are not available or were not evaluated, and the functional significance of this variant is currently unknown. In summary, the available evidence is currently insufficient to determine the role of this variant in disease. Therefore, it has been classified as a Variant of Uncertain Significance.

GeneDx
Classification: Uncertain significance. Last evaluated: 2024-09-05. Review status: criteria provided, single submitter. Criteria: GeneDx Variant Classification Process June 2021. Collection method: clinical testing. Allele origin: germline. Affected: yes.
Comment: Reported previously in an individual with intellectual disability, seizures, and hemispheric malformation of cortical development; segregation information was not provided (PMID: 30093711); In silico analysis supports that this missense variant has a deleterious effect on protein structure/function; This variant is associated with the following publications: (PMID: 30093711)

CeGaT Center for Human Genetics Tuebingen
Classification: Uncertain significance. Last evaluated: 2021-11-01. Review status: criteria provided, single submitter. Criteria: CeGaT Center For Human Genetics Tuebingen Variant Classification Criteria Version 2. Collection method: clinical testing. Allele origin: germline. Affected: yes. Observed: 1 variant allele.

Neuberg Centre For Genomic Medicine, NCGM
Classification: Uncertain significance for Epilepsy, familial focal, with variable foci 1. Review status: criteria provided, single submitter. Criteria: ACMG Guidelines, 2015. Collection method: clinical testing. Allele origin: germline. Inheritance: Autosomal dominant inheritance. Affected: yes.
Comment: The missense variant c.1385A>G (p.Tyr462Cys) in DEPDC5 gene has been submitted to ClinVar as a Variant of Uncertain Significance. The c.1385A>G (p.Tyr462Cys) variant has not been reported in the literature in individuals with DEPDC5-related disease. The c.1385A>G (p.Tyr462Cys) variant is reported with the allele frequency (0.001%) in the gnomAD Exomes and is novel (not in any individuals) in 1000 Genomes. The amino acid Tyr at position 462 is changed to a Cys changing protein sequence and it might alter its composition and physico-chemical properties. The variant is predicted to be damaging by both SIFT and PolyPhen2. The residue is conserved across species. The amino acid change p.Tyr462Cys in DEPDC5 is predicted as conserved by GERP++ and PhyloP across 100 vertebrates. For these reasons, this variant has been classified as Variant of Uncertain Significance (VUS).

Literature cited by the submitters: PubMed 30093711 (cited by Labcorp Genetics (formerly Invitae), Labcorp).